The following is an entry in ClinVar:

ClinVar aggregate classification (germline): Likely pathogenic. Review status: criteria provided, multiple submitters, no conflicts (2 of 4 stars). 4 submissions from 4 submitters: Likely pathogenic (3). 1 of the submissions does not count toward it. Last evaluated 2026-01-29.

Conditions:
Congenital hyperammonemia, type I. Also called: Carbamoyl phosphate synthetase I deficiency disease; Carbamoyl-phosphate synthase I deficiency; CPS I DEFICIENCY; Carbamoyl phosphate synthetase 1 deficiency; Hyperammonemia due to carbamoyl phosphate synthetase 1 deficiency; CPS 1 deficiency. Identifiers: Orphanet 147, MedGen C4082171, MONDO:0009376, OMIM 237300.
CPS1-related disorder. Also called: CPS1-related condition.

Submissions (4):

PreventionGenetics, part of Exact Sciences
Classification: Likely pathogenic for CPS1-related condition. Last evaluated: 2026-01-29. Review status: criteria provided, single submitter. Criteria: ACMG Guidelines, 2015. Collection method: clinical testing. Allele origin: germline.
Comment: The CPS1 c.1086+1G>A variant is predicted to disrupt the GT donor site and interfere with normal splicing. To our knowledge, this variant has not been reported in the literature or in a large population database (gnomAD), indicating this variant is rare. Variants that disrupt the consensus splice donor site in CPS1 are expected to be pathogenic. This variant is interpreted as likely pathogenic.

Labcorp Genetics (formerly Invitae), Labcorp
Classification: Likely pathogenic for Congenital hyperammonemia, type I. Last evaluated: 2021-08-08. Review status: criteria provided, single submitter. Criteria: Invitae Variant Classification Sherloc (09022015). Collection method: clinical testing. Allele origin: germline.
Comment: This sequence change affects a donor splice site in intron 10 of the CPS1 gene. It is expected to disrupt RNA splicing. Variants that disrupt the donor or acceptor splice site typically lead to a loss of protein function (PMID: 16199547), and loss-of-function variants in CPS1 are known to be pathogenic (PMID: 21120950). This variant is not present in population databases (ExAC no frequency). This variant has not been reported in the literature in individuals affected with CPS1-related conditions. ClinVar contains an entry for this variant (Variation ID: 556645). Algorithms developed to predict the effect of sequence changes on RNA splicing suggest that this variant may disrupt the consensus splice site. In summary, the currently available evidence indicates that the variant is pathogenic, but additional data are needed to prove that conclusively. Therefore, this variant has been classified as Likely Pathogenic.

Blueprint Genetics
Classification: Likely pathogenic for CPS1-related disorders. Last evaluated: 2018-11-13. Review status: criteria provided, single submitter. Criteria: ACMG Guidelines, 2015. Collection method: clinical testing. Allele origin: germline. Affected: yes. Observed: 2 variant alleles.

Counsyl
Classification: Likely pathogenic for Congenital hyperammonemia, type I. Last evaluated: 2018-02-13. Review status: no assertion criteria provided. Collection method: clinical testing. Allele origin: unknown. Not counted in ClinVar's aggregate classification.

Literature cited by the submitters: PubMed 16199547 (cited by Labcorp Genetics (formerly Invitae), Labcorp); PubMed 21120950 (cited by Labcorp Genetics (formerly Invitae), Labcorp).

NM_001875.5(CPS1):c.1086+1G>A

Gene: CPS1 (carbamoyl-phosphate synthase 1; plus strand). Cytogenetic location: 2q34.
Variant type: single nucleotide variant.
Coding change: c.1086+1G>A on transcript NM_001875.5 (MANE Select); the canonical splice donor site of the intron after coding-DNA position 1086, G replaced by A.
Molecular consequence: splice donor variant.
Genome position (GRCh38, 1-based): chr2:210,591,970, G>A. VCF-style: chr2-210591970-G-A. GRCh37 (hg19) VCF-style: chr2-211456694-G-A.
Other names: c.1086+1G>A (NM_001369257.1, NM_001122633.3); c.1119+1G>A (NM_001369256.1).
Identifiers: ClinVar variation 556645 (VCV000556645.10), dbSNP rs1553511326, ClinGen allele CA350430697.
Genomic context (GRCh38, chr2:210,591,970, plus strand): 5'-AACACCCTCCCTGCTGGCTGGAAACCACTTTTTGTGAATGTCAACGATCAAACAAATGAG[G>A]TAAATGATGTCAATAAACCTGTTCAGTTGGTGATGAGAAACGCAGGGCTTTTAAAAATAA-3'